The following is an entry in ClinVar:

NM_000321.3(RB1):c.2280C>A (p.Phe760Leu)

Gene: RB1 (RB transcriptional corepressor 1; plus strand). Cytogenetic location: 13q14.2.
Variant type: single nucleotide variant.
Coding change: c.2280C>A on transcript NM_000321.3 (MANE Select); coding-DNA position 2280, C replaced by A.
Protein change: p.Phe760Leu; replaces phenylalanine 760 with leucine.
Molecular consequence: missense variant.
Genome position (GRCh38, 1-based): chr13:48,465,066, C>A. VCF-style: chr13-48465066-C-A. GRCh37 (hg19) VCF-style: chr13-49039202-C-A.
Other names: c.2280C>A, p.Phe760Leu (NM_001407165.1); short protein forms F760L.
Identifiers: ClinVar variation 5027965 (VCV005027965.1).

ClinVar aggregate classification (germline): Uncertain significance (1 of 4 stars; one submission).

Conditions:
Hereditary cancer-predisposing syndrome. Also called: Neoplastic Syndromes, Hereditary; Tumor predisposition; Hereditary neoplastic syndrome; Hereditary Cancer Syndrome. Identifiers: Orphanet 140162, MedGen C0027672, MeSH D009386, MONDO:0015356.

Submission:

Ambry Genetics
Classification: Uncertain significance for Hereditary cancer-predisposing syndrome. Last evaluated: 2026-07-13. Review status: criteria provided, single submitter. Criteria: Ambry Variant Classification Scheme 2023. Collection method: clinical testing. Allele origin: germline.
Comment: The p.F760L variant (also known as c.2280C>A), located in coding exon 22 of the RB1 gene, results from a C to A substitution at nucleotide position 2280. The phenylalanine at codon 760 is replaced by leucine, an amino acid with highly similar properties. This amino acid position is conserved. In addition, this alteration is predicted to be deleterious by in silico analysis. Based on the available evidence, the clinical significance of this variant remains unclear.